The following is an entry in ClinVar:

NM_001348716.2(KDM6B):c.2591C>G (p.Ser864Cys)

Gene: KDM6B (lysine demethylase 6B; plus strand). Cytogenetic location: 17p13.1.
Variant type: single nucleotide variant.
Coding change: c.2591C>G on transcript NM_001348716.2 (MANE Select); coding-DNA position 2591, C replaced by G.
Protein change: p.Ser864Cys; replaces serine 864 with cysteine.
Molecular consequence: missense variant.
Genome position (GRCh38, 1-based): chr17:7,848,879, C>G. VCF-style: chr17-7848879-C-G. GRCh37 (hg19) VCF-style: chr17-7752197-C-G.
Other names: c.2591C>G, p.Ser864Cys (NM_001080424.2); short protein forms S864C.
Identifiers: ClinVar variation 4086278 (VCV004086278.1).
Genomic context (GRCh38, chr17:7,848,879, plus strand): 5'-GTGCTACCGCCCTGCCGCCCACCTCAGCGGCCCCTAGCGCCCAGGGCTCCCCACAGCCCT[C>G]TGCTTCCTCGTCATCTCAGTTCTCTACCTCAGGCGGGCCCTGGGCCCGGGAGCGCAGGGC-3'
Protein context (NP_001335645.1, residues 854-874): APSAQGSPQP[Ser864Cys]ASSSSQFSTS

ClinVar aggregate classification (germline): Uncertain significance (1 of 4 stars; one submission).

Submission:

GeneDx
Classification: Uncertain significance. Last evaluated: 2025-03-17. Review status: criteria provided, single submitter. Criteria: GeneDx Variant Classification Process June 2021. Collection method: clinical testing. Allele origin: germline. Affected: yes.
Comment: Not observed at significant frequency in large population cohorts (gnomAD); In silico analysis indicates that this missense variant does not alter protein structure/function; Has not been previously published as pathogenic or benign to our knowledge